The following is an entry in ClinVar:

ClinVar aggregate classification (germline): Uncertain significance (1 of 4 stars; one submission).

Conditions:
Charcot-Marie-Tooth disease axonal type 2O. Also called: CHARCOT-MARIE-TOOTH NEUROPATHY, AXONAL, TYPE 2O; CHARCOT-MARIE-TOOTH DISEASE, AXONAL, AUTOSOMAL DOMINANT, TYPE 2O; Charcot-Marie-Tooth Neuropathy Type 2O; Charcot-Marie-Tooth disease, axonal, type 20. Identifiers: Orphanet 284232, MedGen C3280220, MONDO:0013644, OMIM 614228.

Allele frequency attached by ClinVar (database versions not stated): gnomAD exomes below 0.00001.
gnomAD v4.1: 1 of 1,613,710 alleles (0.000062%); highest among the groups gnomAD compares: African/African-American, 0.0013%; no homozygotes.

Submission:

Labcorp Genetics (formerly Invitae), Labcorp
Classification: Uncertain significance for Charcot-Marie-Tooth disease axonal type 2O. Last evaluated: 2023-09-04. Review status: criteria provided, single submitter. Criteria: Invitae Variant Classification Sherloc (09022015). Collection method: clinical testing. Allele origin: germline.
Comment: In summary, the available evidence is currently insufficient to determine the role of this variant in disease. Therefore, it has been classified as a Variant of Uncertain Significance. Advanced modeling of protein sequence and biophysical properties (such as structural, functional, and spatial information, amino acid conservation, physicochemical variation, residue mobility, and thermodynamic stability) performed at Invitae indicates that this missense variant is not expected to disrupt DYNC1H1 protein function. This variant has not been reported in the literature in individuals affected with DYNC1H1-related conditions. This variant is not present in population databases (gnomAD no frequency). This sequence change replaces glutamine, which is neutral and polar, with arginine, which is basic and polar, at codon 2471 of the DYNC1H1 protein (p.Gln2471Arg).

NM_001376.5(DYNC1H1):c.7412A>G (p.Gln2471Arg)

Gene: DYNC1H1 (dynein cytoplasmic 1 heavy chain 1; plus strand). Cytogenetic location: 14q32.31.
Variant type: single nucleotide variant.
Coding change: c.7412A>G on transcript NM_001376.5 (MANE Select); coding-DNA position 7412, A replaced by G.
Protein change: p.Gln2471Arg; replaces glutamine 2471 with arginine.
Molecular consequence: missense variant.
Genome position (GRCh38, 1-based): chr14:102,016,025, A>G. VCF-style: chr14-102016025-A-G. GRCh37 (hg19) VCF-style: chr14-102482362-A-G.
Other names: short protein forms Q2471R.
Identifiers: ClinVar variation 2892784 (VCV002892784.3), dbSNP rs1220699480, ClinGen allele CA391002067.